The following is an entry in ClinVar:

ClinVar aggregate classification (germline): Uncertain significance (1 of 4 stars; one submission).

Conditions:
Nijmegen breakage syndrome-like disorder (NBSLD). Also called: MICROCEPHALY AND SPONTANEOUS CHROMOSOME INSTABILITY WITHOUT IMMUNODEFICIENCY; NBS-LIKE DISORDER; RAD50 DEFICIENCY. Identifiers: Orphanet 240760, MedGen C2751318, MONDO:0013118, OMIM 613078.
Hereditary cancer-predisposing syndrome. Also called: Tumor predisposition; Hereditary neoplastic syndrome; Neoplastic Syndromes, Hereditary; Hereditary Cancer Syndrome. Identifiers: Orphanet 140162, MedGen C0027672, MeSH D009386, MONDO:0015356.

gnomAD v4.1: 1 of 1,613,838 alleles (0.000062%); highest among the groups gnomAD compares: Non-Finnish European, 0.000085%; no homozygotes.

Submission:

Labcorp Genetics (formerly Invitae), Labcorp
Classification: Uncertain significance for Hereditary cancer-predisposing syndrome. Last evaluated: 2021-11-26. Review status: criteria provided, single submitter. Criteria: Invitae Variant Classification Sherloc (09022015). Collection method: clinical testing. Allele origin: germline.
Comment: This sequence change replaces lysine, which is basic and polar, with asparagine, which is neutral and polar, at codon 126 of the RAD50 protein (p.Lys126Asn). This variant is not present in population databases (gnomAD no frequency). This variant has not been reported in the literature in individuals affected with RAD50-related conditions. Algorithms developed to predict the effect of missense changes on protein structure and function output the following: SIFT: "Tolerated"; PolyPhen-2: "Benign"; Align-GVGD: "Class C0". The asparagine amino acid residue is found in multiple mammalian species, which suggests that this missense change does not adversely affect protein function. In summary, the available evidence is currently insufficient to determine the role of this variant in disease. Therefore, it has been classified as a Variant of Uncertain Significance.

NM_005732.4(RAD50):c.378G>C (p.Lys126Asn)

Gene: RAD50 (RAD50 double strand break repair protein; plus strand). Cytogenetic location: 5q31.1.
Variant type: single nucleotide variant.
Coding change: c.378G>C on transcript NM_005732.4 (MANE Select); coding-DNA position 378, G replaced by C.
Protein change: p.Lys126Asn; replaces lysine 126 with asparagine.
Molecular consequence: missense variant.
Genome position (GRCh38, 1-based): chr5:132,579,329, G>C. VCF-style: chr5-132579329-G-C. GRCh37 (hg19) VCF-style: chr5-131915021-G-C.
Other names: c.378G>C (NM_005732.3); short protein forms K126N.
Identifiers: ClinVar variation 1495936 (VCV001495936.7), dbSNP rs2149837691, ClinGen allele CA360933354.